The following is an entry in ClinVar:

ClinVar aggregate classification (germline): Uncertain significance. Review status: criteria provided, multiple submitters, no conflicts (2 of 4 stars). 2 submissions from 2 submitters: Uncertain significance (2). Last evaluated 2025-10-29.

Conditions:
Cardiovascular phenotype. Identifiers: MedGen CN230736.

Allele frequency attached by ClinVar (database versions not stated): ExAC 0.00001; gnomAD 0.00001; TOPMed 0.00001; ESP Exome Variant Server 0.00008.

Submissions (2):

Labcorp Genetics (formerly Invitae), Labcorp
Classification: Uncertain significance. Last evaluated: 2025-10-29. Review status: criteria provided, single submitter. Criteria: Invitae Variant Classification Sherloc (09022015). Collection method: clinical testing. Allele origin: germline.
Comment: This sequence change replaces arginine, which is basic and polar, with serine, which is neutral and polar, at codon 93 of the MFAP5 protein (p.Arg93Ser). This variant is present in population databases (rs370536847, gnomAD 0.007%). This variant has not been reported in the literature in individuals affected with MFAP5-related conditions. ClinVar contains an entry for this variant (Variation ID: 1796143). An algorithm developed to predict the effect of missense changes on protein structure and function (PolyPhen-2) suggests that this variant is likely to be disruptive. In summary, the available evidence is currently insufficient to determine the role of this variant in disease. Therefore, it has been classified as a Variant of Uncertain Significance.

Ambry Genetics
Classification: Uncertain significance for Cardiovascular phenotype. Last evaluated: 2025-05-24. Review status: criteria provided, single submitter. Criteria: Ambry Variant Classification Scheme 2023. Collection method: clinical testing. Allele origin: germline.
Comment: The p.R93S variant (also known as c.279G>T), located in coding exon 7 of the MFAP5 gene, results from a G to T substitution at nucleotide position 279. The arginine at codon 93 is replaced by serine, an amino acid with dissimilar properties. This amino acid position is conserved. In addition, this alteration is predicted to be deleterious by in silico analysis. Since supporting evidence is limited at this time, the clinical significance of this alteration remains unclear.

NM_003480.4(MFAP5):c.279G>T (p.Arg93Ser)

Gene: MFAP5 (microfibril associated protein 5; minus strand). Cytogenetic location: 12p13.31.
Variant type: single nucleotide variant.
Coding change: c.279G>T on transcript NM_003480.4 (MANE Select); coding-DNA position 279, G replaced by T.
Protein change: p.Arg93Ser; replaces arginine 93 with serine.
Molecular consequence: missense variant. On other transcripts: non-coding transcript variant (2), intron variant (1).
Genome position (GRCh38, 1-based): chr12:8,650,558, C>A on the plus strand (G>T on the coding strand, the complement: MFAP5 is on the minus strand). VCF-style: chr12-8650558-C-A. GRCh37 (hg19) VCF-style: chr12-8803154-C-A.
Other names: c.249G>T, p.Arg83Ser (NM_001297709.2); c.213G>T, p.Arg71Ser (NM_001297710.2); c.204G>T, p.Arg68Ser (NM_001297711.2); c.218-2355G>T (NM_001297712.2); short protein forms R68S, R71S, R83S, R93S.
Identifiers: ClinVar variation 1796143 (VCV001796143.9), dbSNP rs370536847, ClinGen allele CA6434646.